The following continues an entry in ClinVar:

NM_001267550.2(TTN):c.69716-5C>G

ClinVar aggregate classification (germline): Conflicting classifications of pathogenicity. Uncertain significance (2); Benign (12); Likely benign (4).

Submissions 19 to 30 of 30:

PreventionGenetics, part of Exact Sciences
Classification: Benign for TTN-related condition. Last evaluated: 2019-07-09. Review status: no assertion criteria provided. Collection method: clinical testing. Allele origin: germline. Not counted in ClinVar's aggregate classification.
Comment: This variant is classified as benign based on ACMG/AMP sequence variant interpretation guidelines (Richards et al. 2015 PMID: 25741868, with internal and published modifications).

Clinical Genetics DNA and cytogenetics Diagnostics Lab, Erasmus MC, Erasmus Medical Center
Classification: Benign. Review status: no assertion criteria provided. Collection method: clinical testing. Allele origin: germline. Affected: yes. Study: VKGL Data-share Consensus. Not counted in ClinVar's aggregate classification.

Clinical Genetics, Academic Medical Center
Classification: Benign. Review status: no assertion criteria provided. Collection method: clinical testing. Allele origin: germline. Affected: yes. Study: VKGL Data-share Consensus. Not counted in ClinVar's aggregate classification.

Diagnostic Laboratory, Department of Genetics, University Medical Center Groningen
Classification: Likely benign. Review status: no assertion criteria provided. Collection method: clinical testing. Allele origin: germline. Affected: yes. Study: VKGL Data-share Consensus. Not counted in ClinVar's aggregate classification.

Dr. Peter K. Rogan Lab, Western University
No classification provided (evidence only). Condition: Cervical cancer. Review status: no classification provided. Collection method: in vitro. Allele origin: not applicable. Functional consequence: retained intron. Not counted in ClinVar's aggregate classification.

Dr. Peter K. Rogan Lab, Western University
No classification provided (evidence only). Condition: Sarcoma. Review status: no classification provided. Collection method: in vitro. Allele origin: not applicable. Functional consequence: retained intron. Not counted in ClinVar's aggregate classification.

Dr. Peter K. Rogan Lab, Western University
No classification provided (evidence only). Condition: Ovarian serous cystadenocarcinoma. Review status: no classification provided. Collection method: in vitro. Allele origin: not applicable. Functional consequence: retained intron. Not counted in ClinVar's aggregate classification.

Dr. Peter K. Rogan Lab, Western University
No classification provided (evidence only). Condition: Chronic lymphocytic leukemia/small lymphocytic lymphoma. Review status: no classification provided. Collection method: in vitro. Allele origin: not applicable. Functional consequence: retained intron. Not counted in ClinVar's aggregate classification.

Dr. Peter K. Rogan Lab, Western University
No classification provided (evidence only). Condition: Nonpapillary renal cell carcinoma. Review status: no classification provided. Collection method: in vitro. Allele origin: not applicable. Functional consequence: retained intron. Not counted in ClinVar's aggregate classification.

Genome Diagnostics Laboratory, University Medical Center Utrecht
Classification: Benign. Review status: no assertion criteria provided. Collection method: clinical testing. Allele origin: germline. Affected: yes. Study: VKGL Data-share Consensus. Not counted in ClinVar's aggregate classification.

Joint Genome Diagnostic Labs from Nijmegen and Maastricht, Radboudumc and MUMC+
Classification: Benign. Review status: no assertion criteria provided. Collection method: clinical testing. Allele origin: germline. Affected: yes. Study: VKGL Data-share Consensus. Not counted in ClinVar's aggregate classification.

Laboratory of Diagnostic Genome Analysis, Leiden University Medical Center (LUMC)
Classification: Likely benign. Review status: no assertion criteria provided. Collection method: clinical testing. Allele origin: germline. Affected: yes. Study: VKGL Data-share Consensus. Not counted in ClinVar's aggregate classification.

Literature cited by the submitters: PubMed 26516846 (cited by 3 submitters); PubMed 23396983 (cited by Athena Diagnostics and Women's Health and Genetics/Laboratory Corporation of America, LabCorp).